The following is an entry in ClinVar:

NM_001165963.4(SCN1A):c.2390A>G (p.Asn797Ser)

Gene: SCN1A (sodium voltage-gated channel alpha subunit 1; minus strand). Cytogenetic location: 2q24.3.
Variant type: single nucleotide variant.
Coding change: c.2390A>G on transcript NM_001165963.4 (MANE Select); coding-DNA position 2390, A replaced by G.
Protein change: p.Asn797Ser; replaces asparagine 797 with serine.
Molecular consequence: missense variant. On other transcripts: 5 prime UTR variant (1), non-coding transcript variant (1).
Genome position (GRCh38, 1-based): chr2:166,041,256, T>C on the plus strand (A>G on the coding strand, the complement: SCN1A is on the minus strand). VCF-style: chr2-166041256-T-C. GRCh37 (hg19) VCF-style: chr2-166897766-T-C.
Other names: c.2306A>G, p.Asn769Ser (NM_001165964.3, NM_001353957.2, NM_001353958.2); c.2390A>G, p.Asn797Ser (NM_001202435.3, NM_001353948.2); c.2357A>G, p.Asn786Ser (NM_001353949.2, NM_001353950.2, NM_001353951.2 and 2 more transcripts); c.2354A>G, p.Asn785Ser (NM_001353954.2, NM_001353955.2); c.2303A>G, p.Asn768Ser (NM_001353960.2); c.-69A>G (NM_001353961.2); short protein forms N768S, N769S, N785S, N786S, N797S.
Identifiers: ClinVar variation 1708681 (VCV001708681.2), dbSNP rs142192023, ClinGen allele CA1943128.

ClinVar aggregate classification (germline): Uncertain significance (1 of 4 stars; one submission).

Allele frequency attached by ClinVar (database versions not stated): gnomAD exomes below 0.00001; ExAC 0.00001; ESP Exome Variant Server 0.00008.
gnomAD v4.1: 2 of 1,613,158 alleles (0.00012%); highest among the groups gnomAD compares: East Asian, 0.0022%; no homozygotes.

Submission:

GeneDx
Classification: Uncertain significance. Last evaluated: 2022-11-23. Review status: criteria provided, single submitter. Criteria: GeneDx Variant Classification Process June 2021. Collection method: clinical testing. Allele origin: germline. Affected: yes.
Comment: Not observed at significant frequency in large population cohorts (gnomAD); Missense variants in this gene are often considered pathogenic (HGMD); In silico analysis supports that this missense variant does not alter protein structure/function; Has not been previously published as pathogenic or benign to our knowledge; This substitution is predicted to be within the extracellular loop between the S1 and S2 transmembrane segments of the second homologous domain.